The following is an entry in ClinVar:

NM_000350.3(ABCA4):c.5069T>C (p.Met1690Thr)

Gene: ABCA4 (ATP binding cassette subfamily A member 4; minus strand). Cytogenetic location: 1p22.1.
Variant type: single nucleotide variant.
Coding change: c.5069T>C on transcript NM_000350.3 (MANE Select); coding-DNA position 5069, T replaced by C.
Protein change: p.Met1690Thr; replaces methionine 1690 with threonine.
Molecular consequence: missense variant.
Genome position (GRCh38, 1-based): chr1:94,019,709, A>G on the plus strand (T>C on the coding strand, the complement: ABCA4 is on the minus strand). VCF-style: chr1-94019709-A-G. GRCh37 (hg19) VCF-style: chr1-94485265-A-G.
Other names: c.4847T>C, p.Met1616Thr (NM_001425324.1); short protein forms M1690T, M1616T.
Identifiers: ClinVar variation 1014039 (VCV001014039.7), dbSNP rs1333985048, ClinGen allele CA341282780.
Genomic context (GRCh38, chr1:94,019,709, plus strand): 5'-TTGGATTTGTTCACCCGCTCCTGGATCAAATAAAGGACAAAGCTGGCTGGGACGAAGGAC[A>G]TGGAGAAAATCACGCAGATGGCAACCACAGCATCCACTGAAGTGGTCAGCCTGCAGCAGG-3'
Protein context (NP_000341.2, residues 1680-1700): AVVAICVIFS[Met1690Thr]SFVPASFVLY

ClinVar aggregate classification (germline): Likely pathogenic. Review status: criteria provided, single submitter (1 of 4 stars). 2 submissions from 2 submitters: Likely pathogenic (1). 1 of the submissions does not count toward it. Last evaluated 2025-03-31.

Conditions:
Optic atrophy. Identifiers: MedGen C0029124, MONDO:0003608, HP:0000648.

Allele frequency attached by ClinVar (database versions not stated): gnomAD exomes below 0.00001; TOPMed below 0.00001; gnomAD 0.00001 and 0.00002.

Submissions (2):

Labcorp Genetics (formerly Invitae), Labcorp
Classification: Likely pathogenic. Last evaluated: 2025-03-31. Review status: criteria provided, single submitter. Criteria: Invitae Variant Classification Sherloc (09022015). Collection method: clinical testing. Allele origin: germline.
Comment: This sequence change replaces methionine, which is neutral and non-polar, with threonine, which is neutral and polar, at codon 1690 of the ABCA4 protein (p.Met1690Thr). This variant is present in population databases (no rsID available, gnomAD 0.007%). This missense change has been observed in individual(s) with ABCA4-related conditions (internal data). ClinVar contains an entry for this variant (Variation ID: 1014039). Invitae Evidence Modeling of protein sequence and biophysical properties (such as structural, functional, and spatial information, amino acid conservation, physicochemical variation, residue mobility, and thermodynamic stability) indicates that this missense variant is expected to disrupt ABCA4 protein function with a positive predictive value of 95%. This variant disrupts the p.Met1690 amino acid residue in ABCA4. Other variant(s) that disrupt this residue have been determined to be pathogenic (internal data). This suggests that this residue is clinically significant, and that variants that disrupt this residue are likely to be disease-causing. In summary, the currently available evidence indicates that the variant is pathogenic, but additional data are needed to prove that conclusively. Therefore, this variant has been classified as Likely Pathogenic.

Institute of Human Genetics, Univ. Regensburg, Univ. Regensburg
Classification: Uncertain significance for Optic atrophy. Last evaluated: 2022-01-01. Review status: no assertion criteria provided. Criteria: ACMG Guidelines, 2015. Collection method: clinical testing. Allele origin: germline. Affected: yes. Not counted in ClinVar's aggregate classification.